The following is an entry in ClinVar:

NM_000321.3(RB1):c.1846A>G (p.Lys616Glu)

Gene: RB1 (RB transcriptional corepressor 1; plus strand). Cytogenetic location: 13q14.2.
Variant type: single nucleotide variant.
Coding change: c.1846A>G on transcript NM_000321.3 (MANE Select); coding-DNA position 1846, A replaced by G.
Protein change: p.Lys616Glu; replaces lysine 616 with glutamic acid.
Molecular consequence: missense variant.
Genome position (GRCh38, 1-based): chr13:48,456,235, A>G. VCF-style: chr13-48456235-A-G. GRCh37 (hg19) VCF-style: chr13-49030371-A-G.
Other names: c.1846A>G, p.Lys616Glu (NM_001407165.1); short protein forms K616E.
Identifiers: ClinVar variation 3430915 (VCV003430915.1).

ClinVar aggregate classification (germline): Uncertain significance (1 of 4 stars; one submission).

Conditions:
Hereditary cancer-predisposing syndrome. Also called: Neoplastic Syndromes, Hereditary; Tumor predisposition; Hereditary Cancer Syndrome; Hereditary neoplastic syndrome. Identifiers: Orphanet 140162, MedGen C0027672, MeSH D009386, MONDO:0015356.

Submission:

Ambry Genetics
Classification: Uncertain significance for Hereditary cancer-predisposing syndrome. Last evaluated: 2024-11-14. Review status: criteria provided, single submitter. Criteria: Ambry Variant Classification Scheme 2023. Collection method: clinical testing. Allele origin: germline.
Comment: The p.K616E variant (also known as c.1846A>G), located in coding exon 19 of the RB1 gene, results from an A to G substitution at nucleotide position 1846. The lysine at codon 616 is replaced by glutamic acid, an amino acid with similar properties. This variant has been reported in at least three individuals with features consistent with RB1-related hereditary retinoblastoma (Yu YS et al. Hum Mutat, 2001 Sep;18:252; Devarajan B et al. BMC Cancer, 2015 Apr;15:320), however in at least one of these publications, this variant was not considered to be pathogenic and the authors reported the cases as "unresolved", as it was suspected that a true causative variant may have been undetected (Devarajan B et al. BMC Cancer, 2015 Apr;15:320). In addition, this variant has also been observed in at least one individual who was unaffected with retinoblastoma (Ambry internal data). This amino acid position is well conserved in available vertebrate species. In addition, this alteration is predicted to be deleterious by in silico analysis. Based on the available evidence, the clinical significance of this variant remains unclear.

Literature cited by the submitters: PubMed 11524739; PubMed 25928201.